The following is an entry in ClinVar:

ClinVar aggregate classification (germline): Uncertain significance (1 of 4 stars; one submission).

Conditions:
Malignant hyperthermia, susceptibility to, 1 (MHS1). Also called: Anesthesia related hyperthermia; Malignant hyperpyrexia; Fulminating hyperpyrexia; Pharmacogenic myopathy; RYR1-Related Malignant Hyperthermia Susceptibility; Malignant hyperthermia suceptibility 1. Identifiers: Orphanet 423, MedGen C2930980, MONDO:0007783, OMIM 145600.

Submission:

All of Us Research Program, National Institutes of Health
Classification: Uncertain significance for Malignant hyperthermia, susceptibility to, 1. Last evaluated: 2023-05-31. Review status: criteria provided, single submitter. Criteria: ACMG Guidelines, 2015. Collection method: clinical testing. Allele origin: germline. Inheritance: Autosomal dominant inheritance. Observed: 1 variant allele, 1 heterozygote.
Comment: This study involves interpretation of variants in research participants for the purpose of population health screening. Participant phenotype was not available at the time of variant classification. Additional details can be found in publication PMID: 35346344, PMCID: PMC8962531

NM_000540.3(RYR1):c.2539C>G (p.His847Asp)

Gene: RYR1 (ryanodine receptor 1; plus strand). Cytogenetic location: 19q13.2.
Variant type: single nucleotide variant.
Coding change: c.2539C>G on transcript NM_000540.3 (MANE Select); coding-DNA position 2539, C replaced by G.
Protein change: p.His847Asp; replaces histidine 847 with aspartic acid.
Molecular consequence: missense variant.
Genome position (GRCh38, 1-based): chr19:38,460,553, C>G. VCF-style: chr19-38460553-C-G. GRCh37 (hg19) VCF-style: chr19-38951193-C-G.
Other names: c.2539C>G, p.His847Asp (NM_001042723.2); short protein forms H847D.
Identifiers: ClinVar variation 3071409 (VCV003071409.1), dbSNP rs2514056117, ClinGen allele CA405630187.